The following is an entry in ClinVar:

ClinVar aggregate classification (germline): Uncertain significance. Review status: criteria provided, multiple submitters, no conflicts (2 of 4 stars). 2 submissions from 2 submitters: Uncertain significance (2). Last evaluated 2025-08-13.

Conditions:
Inborn genetic diseases. Identifiers: MedGen C0950123, MeSH D030342.

gnomAD v4.1: 19 of 1,613,196 alleles (0.0012%); highest among the groups gnomAD compares: South Asian, 0.0022%; no homozygotes.

Submissions (2):

Ambry Genetics
Classification: Uncertain significance for Inborn genetic diseases. Last evaluated: 2025-08-13. Review status: criteria provided, single submitter. Criteria: Ambry Variant Classification Scheme 2023. Collection method: clinical testing. Allele origin: germline.

Labcorp Genetics (formerly Invitae), Labcorp
Classification: Uncertain significance. Last evaluated: 2025-05-24. Review status: criteria provided, single submitter. Criteria: Invitae Variant Classification Sherloc (09022015). Collection method: clinical testing. Allele origin: germline.
Comment: This sequence change replaces valine, which is neutral and non-polar, with methionine, which is neutral and non-polar, at codon 911 of the SLC4A1 protein (p.Val911Met). This variant is not present in population databases (gnomAD no frequency). This variant has not been reported in the literature in individuals affected with SLC4A1-related conditions. Invitae Evidence Modeling of protein sequence and biophysical properties (such as structural, functional, and spatial information, amino acid conservation, physicochemical variation, residue mobility, and thermodynamic stability) indicates that this missense variant is not expected to disrupt SLC4A1 protein function with a negative predictive value of 95%. Algorithms developed to predict the effect of sequence changes on RNA splicing suggest that this variant may create or strengthen a splice site. In summary, the available evidence is currently insufficient to determine the role of this variant in disease. Therefore, it has been classified as a Variant of Uncertain Significance.

NM_000342.4(SLC4A1):c.2731G>A (p.Val911Met)

Gene: SLC4A1 (solute carrier family 4 member 1 (Diego blood group); minus strand). Cytogenetic location: 17q21.31.
Variant type: single nucleotide variant.
Coding change: c.2731G>A on transcript NM_000342.4 (MANE Select); coding-DNA position 2731, G replaced by A.
Protein change: p.Val911Met; replaces valine 911 with methionine.
Molecular consequence: missense variant.
Genome position (GRCh38, 1-based): chr17:44,250,463, C>T on the plus strand (G>A on the coding strand, the complement: SLC4A1 is on the minus strand). VCF-style: chr17-44250463-C-T. GRCh37 (hg19) VCF-style: chr17-42327831-C-T.
Other names: short protein forms V911M.
Identifiers: ClinVar variation 4168552 (VCV004168552.2).
Genomic context (GRCh38, chr17:44,250,463, plus strand): 5'-TTGGAAGGTGGGGATGTGGAATGGTGGGGGAGGGTCTAGGGCCTGGGCCCGCCCCTCACA[C>T]AGGCATGGCCACTTCGTCGTATTCATCCCGACCTTCCTCCTCATCAAAGGTTGCCTTGGC-3'
Protein context (NP_000333.1, residues 901-911): RDEYDEVAMP[Val911Met]